The following is an entry in ClinVar:

ClinVar aggregate classification (germline): Pathogenic (1 of 4 stars; one submission).

Conditions:
Polycystic kidney disease 2 (PKD2). Also called: POLYCYSTIC KIDNEY DISEASE, ADULT, TYPE II; POLYCYSTIC KIDNEY DISEASE 2 WITH OR WITHOUT POLYCYSTIC LIVER DISEASE; Polycystic Kidney Disease 2, Autosomal Dominant. Identifiers: MedGen C2751306, MONDO:0013131, OMIM 613095.

Submission:

MVZ Medizinische Genetik Mainz
Classification: Pathogenic for Polycystic kidney disease 2. Last evaluated: 2021-09-17. Review status: criteria provided, single submitter. Criteria: UK Practice Guidelines For Variant Classification V4 01 2020. Collection method: clinical testing. Allele origin: germline. Inheritance: Autosomal dominant inheritance. Observed: 1 variant allele.
Comment: ACMG Criteria: PVS1, PM2_SUP, PP4 (ACMG Version 3)

NM_000297.4(PKD2):c.2062A>T (p.Lys688Ter)

Gene: PKD2 (polycystin 2, transient receptor potential cation channel; plus strand). Cytogenetic location: 4q22.1.
Variant type: single nucleotide variant.
Coding change: c.2062A>T on transcript NM_000297.4 (MANE Select); coding-DNA position 2062, A replaced by T.
Protein change: p.Lys688Ter; replaces lysine 688 with a stop codon.
Molecular consequence: nonsense. On other transcripts: non-coding transcript variant (1).
Genome position (GRCh38, 1-based): chr4:88,061,948, A>T. VCF-style: chr4-88061948-A-T. GRCh37 (hg19) VCF-style: chr4-88983100-A-T.
Other names: short protein forms K688*.
Identifiers: ClinVar variation 3068396 (VCV003068396.1), dbSNP rs2110134005, ClinGen allele CA357623673.